The following is an entry in ClinVar:

NM_133372.3(FNIP1):c.1960G>A (p.Asp654Asn)

Gene: FNIP1 (folliculin interacting protein 1; minus strand). Cytogenetic location: 5q31.1.
Variant type: single nucleotide variant.
Coding change: c.1960G>A on transcript NM_133372.3 (MANE Select); coding-DNA position 1960, G replaced by A.
Protein change: p.Asp654Asn; replaces aspartic acid 654 with asparagine.
Molecular consequence: missense variant.
Genome position (GRCh38, 1-based): chr5:131,672,484, C>T on the plus strand (G>A on the coding strand, the complement: FNIP1 is on the minus strand). VCF-style: chr5-131672484-C-T. GRCh37 (hg19) VCF-style: chr5-131008177-C-T.
Other names: c.1876G>A, p.Asp626Asn (NM_001008738.3); c.1825G>A, p.Asp609Asn (NM_001346114.2); short protein forms D626N, D609N, D654N.
Identifiers: ClinVar variation 2023852 (VCV002023852.4), dbSNP rs2532127764, ClinGen allele CA360792220.

ClinVar aggregate classification (germline): Uncertain significance (1 of 4 stars; one submission).

Submission:

Labcorp Genetics (formerly Invitae), Labcorp
Classification: Uncertain significance. Last evaluated: 2022-08-12. Review status: criteria provided, single submitter. Criteria: Invitae Variant Classification Sherloc (09022015). Collection method: clinical testing. Allele origin: germline.
Comment: In summary, the available evidence is currently insufficient to determine the role of this variant in disease. Therefore, it has been classified as a Variant of Uncertain Significance. Algorithms developed to predict the effect of missense changes on protein structure and function (SIFT, PolyPhen-2, Align-GVGD) all suggest that this variant is likely to be tolerated. This variant has not been reported in the literature in individuals affected with FNIP1-related conditions. This variant is not present in population databases (gnomAD no frequency). This sequence change replaces aspartic acid, which is acidic and polar, with asparagine, which is neutral and polar, at codon 654 of the FNIP1 protein (p.Asp654Asn).